The following is an entry in ClinVar:

ClinVar aggregate classification (germline): Uncertain significance (1 of 4 stars; one submission).

Allele frequency attached by ClinVar (database versions not stated): ExAC 0.00001; gnomAD 0.00001.
gnomAD v4.1: 1 of 1,614,014 alleles (0.000062%); highest among the groups gnomAD compares: Non-Finnish European, 0.000085%; no homozygotes.

Submission:

Ambry Genetics
Classification: Uncertain significance. Last evaluated: 2025-06-12. Review status: criteria provided, single submitter. Criteria: Ambry Variant Classification Scheme 2023. Collection method: clinical testing. Allele origin: germline.
Comment: The p.Q882E variant (also known as c.2644C>G), located in coding exon 24 of the KIF1B gene, results from a C to G substitution at nucleotide position 2644. The glutamine at codon 882 is replaced by glutamic acid, an amino acid with highly similar properties. This amino acid position is conserved. In addition, the in silico prediction for this alteration is inconclusive. Since supporting evidence is limited at this time, the clinical significance of this alteration remains unclear.

NM_001365951.3(KIF1B):c.2782C>G (p.Gln928Glu)

Genes: KIF1B (kinesin family member 1B; plus strand), LOC126805614 (BRD4-independent group 4 enhancer GRCh37_chr1:10385546-10386745; plus strand). Cytogenetic location: 1p36.22.
Variant type: single nucleotide variant.
Coding change: c.2782C>G on transcript NM_001365951.3 (MANE Select); coding-DNA position 2782, C replaced by G.
Protein change: p.Gln928Glu; replaces glutamine 928 with glutamic acid.
Molecular consequence: missense variant.
Genome position (GRCh38, 1-based): chr1:10,326,217, C>G. VCF-style: chr1-10326217-C-G. GRCh37 (hg19) VCF-style: chr1-10386275-C-G.
Other names: c.2782C>G, p.Gln928Glu (NM_001365952.1); c.2644C>G, p.Gln882Glu (NM_015074.3); short protein forms Q882E, Q928E.
Identifiers: ClinVar variation 2561706 (VCV002561706.3), dbSNP rs754138952, ClinGen allele CA581612.